The following is an entry in ClinVar:

NM_000152.5(GAA):c.310G>C (p.Glu104Gln)

Gene: GAA (alpha glucosidase; plus strand). Cytogenetic location: 17q25.3.
Variant type: single nucleotide variant.
Coding change: c.310G>C on transcript NM_000152.5 (MANE Select); coding-DNA position 310, G replaced by C.
Protein change: p.Glu104Gln; replaces glutamic acid 104 with glutamine.
Molecular consequence: missense variant.
Genome position (GRCh38, 1-based): chr17:80,104,896, G>C. VCF-style: chr17-80104896-G-C. GRCh37 (hg19) VCF-style: chr17-78078695-G-C.
Other names: c.310G>C, p.Glu104Gln (NM_001079803.3, NM_001079804.3); short protein forms E104Q.
Identifiers: ClinVar variation 892320 (VCV000892320.20), dbSNP rs201902338, ClinGen allele CA8814845.

ClinVar aggregate classification (germline): Uncertain significance. Review status: criteria provided, multiple submitters, no conflicts (2 of 4 stars). 7 submissions from 7 submitters: Uncertain significance (6). 1 of the submissions does not count toward it. Last evaluated 2024-10-21.

Conditions:
Glycogen storage disease, type II (IOPD). Also called: Glucosidase acid-1,4-alpha deficiency; GLYCOGENOSIS, GENERALIZED, CARDIAC FORM; GSD II; POMPE DISEASE, INFANTILE-ONSET; GLYCOGEN STORAGE DISEASE II, INFANTILE-ONSET; ACID ALPHA-GLUCOSIDASE DEFICIENCY, INFANTILE-ONSET. Identifiers: Orphanet 365, MedGen C0017921, MONDO:0009290, OMIM 232300.

Allele frequency attached by ClinVar (database versions not stated): TOPMed 0.00003; ESP Exome Variant Server 0.00008; 1000 Genomes Project 30x 0.00016.
gnomAD v4.1: 32 of 1,612,630 alleles (0.002%); highest among the groups gnomAD compares: African/African-American, 0.0027%; no homozygotes.

Submissions (7):

Blueprint Genetics
Classification: Uncertain significance. Last evaluated: 2024-10-21. Review status: criteria provided, single submitter. Criteria: ACMG Guidelines, 2015. Collection method: clinical testing. Allele origin: germline.

GeneDx
Classification: Uncertain significance. Last evaluated: 2024-06-10. Review status: criteria provided, single submitter. Criteria: GeneDx Variant Classification Process June 2021. Collection method: clinical testing. Allele origin: germline. Affected: yes.
Comment: Not observed at significant frequency in large population cohorts (gnomAD); In silico analysis indicates that this missense variant does not alter protein structure/function; Has not been previously published as pathogenic or benign to our knowledge

Labcorp Genetics (formerly Invitae), Labcorp
Classification: Uncertain significance for Glycogen storage disease, type II. Last evaluated: 2022-08-20. Review status: criteria provided, single submitter. Criteria: Invitae Variant Classification Sherloc (09022015). Collection method: clinical testing. Allele origin: germline.
Comment: This sequence change replaces glutamic acid, which is acidic and polar, with glutamine, which is neutral and polar, at codon 104 of the GAA protein (p.Glu104Gln). This variant is present in population databases (rs201902338, gnomAD 0.006%). This variant has not been reported in the literature in individuals affected with GAA-related conditions. ClinVar contains an entry for this variant (Variation ID: 892320). Advanced modeling of protein sequence and biophysical properties (such as structural, functional, and spatial information, amino acid conservation, physicochemical variation, residue mobility, and thermodynamic stability) performed at Invitae indicates that this missense variant is not expected to disrupt GAA protein function. In summary, the available evidence is currently insufficient to determine the role of this variant in disease. Therefore, it has been classified as a Variant of Uncertain Significance.

Genome-Nilou Lab
Classification: Uncertain significance for Glycogen storage disease, type II. Last evaluated: 2021-09-05. Review status: criteria provided, single submitter. Criteria: ACMG Guidelines, 2015. Collection method: clinical testing. Allele origin: germline. Affected: no.

Revvity Omics, Revvity
Classification: Uncertain significance. Last evaluated: 2020-08-27. Review status: criteria provided, single submitter. Criteria: ACMG Guidelines, 2015. Collection method: clinical testing. Allele origin: germline.

Illumina Laboratory Services, Illumina
Classification: Uncertain significance for Glycogen storage disease, type II. Last evaluated: 2018-01-12. Review status: criteria provided, single submitter. Criteria: ICSL Variant Classification Criteria 13 December 2019. Collection method: clinical testing. Allele origin: germline.

Natera, Inc.
Classification: Uncertain significance for Glycogen storage disease type II. Last evaluated: 2020-03-27. Review status: no assertion criteria provided. Collection method: clinical testing. Allele origin: germline. Not counted in ClinVar's aggregate classification.